The following is an entry in ClinVar:

ClinVar aggregate classification (germline): Pathogenic (1 of 4 stars; one submission).

Conditions:
Duchenne muscular dystrophy (DMD). Also called: MUSCULAR DYSTROPHY, PSEUDOHYPERTROPHIC PROGRESSIVE, DUCHENNE TYPE; Duchenne Muscular Dystrophy (DMD). Identifiers: Orphanet 98896, MedGen C0013264, MONDO:0010679, OMIM 310200.

Submission:

Labcorp Genetics (formerly Invitae), Labcorp
Classification: Pathogenic for Duchenne muscular dystrophy. Last evaluated: 2025-05-13. Review status: criteria provided, single submitter. Criteria: Invitae Variant Classification Sherloc (09022015). Collection method: clinical testing. Allele origin: germline.
Comment: This sequence change creates a premature translational stop signal (p.Ala2061Aspfs*23) in the DMD gene. It is expected to result in an absent or disrupted protein product. Loss-of-function variants in DMD are known to be pathogenic (PMID: 16770791, 25007885). This variant is not present in population databases (gnomAD no frequency). This variant has not been reported in the literature in individuals affected with DMD-related conditions. For these reasons, this variant has been classified as Pathogenic.

Literature cited by the submitters: PubMed 16770791; PubMed 25007885.

NM_004006.3(DMD):c.6178_6181dup (p.Ala2061fs)

Gene: DMD (dystrophin; minus strand). Cytogenetic location: Xp21.1.
Variant type: Duplication.
Coding change: c.6178_6181dup on transcript NM_004006.3 (MANE Select); coding-DNA positions 6178 to 6181, 4 bases duplicated (ACAG; older notation c.6178_6181dupACAG).
Protein change: p.Ala2061fs; shifts the reading frame from alanine 2061.
Molecular consequence: frameshift variant.
Genome position (GRCh38, 1-based): chrX:32,287,638-32,287,641, CTGT duplicated on the plus strand (ACAG on the coding strand, the reverse complement: DMD is on the minus strand); duplicating any 4 consecutive bases within chrX:32,287,638-32,287,643 gives the same sequence; the c. name uses the placement nearest the transcript's 3' end. VCF-style (leftmost placement, unchanged base first): chrX-32287637-G-GCTGT. GRCh37 (hg19) VCF-style: chrX-32305754-G-GCTGT.
Other names: c.6154_6157dup, p.Ala2053fs (NM_000109.4); c.6166_6169dup, p.Ala2057fs (NM_004009.3); c.5809_5812dup, p.Ala1938fs (NM_004010.3); c.2155_2158dup, p.Ala720fs (NM_004011.4); c.2146_2149dup, p.Ala717fs (NM_004012.4); short protein forms A2053fs, A720fs, A1938fs, A2057fs, A2061fs, A717fs.
Identifiers: ClinVar variation 4719099 (VCV004719099.1).
Genomic context (GRCh38, chrX:32,287,637, plus strand): 5'-AGCTGGGAGAGAGCTTCCTGTAGCTTCACCCTTTCCACAGGCGTTGCACTTTGCAATGCT[G>GCTGT]CTGTCTTCTTGCTATGAATAATGTCAATCCGACCTGAGCTTTGTTGTAGACTATCTTTTA-3'